The following is an entry in ClinVar:

NM_001625.4(AK2):c.499-8G>T

Gene: AK2 (adenylate kinase 2; minus strand). Cytogenetic location: 1p35.1.
Variant type: single nucleotide variant.
Coding change: c.499-8G>T on transcript NM_001625.4 (MANE Select); 8 bases into the intron before coding-DNA position 499, G replaced by T.
Molecular consequence: intron variant.
Genome position (GRCh38, 1-based): chr1:33,013,410, C>A on the plus strand (G>T on the coding strand, the complement: AK2 is on the minus strand). VCF-style: chr1-33013410-C-A. GRCh37 (hg19) VCF-style: chr1-33479011-C-A.
Other names: c.499-8G>T (NM_001625.3, NM_013411.5, NM_001319141.3); c.373-8G>T (NM_001319142.3); c.*2-8G>T (NM_001319143.2); c.475-8G>T (NM_001199199.3); c.355-8G>T (NM_001319139.3, NM_001319140.2).
Identifiers: ClinVar variation 1093105 (VCV001093105.10), dbSNP rs752613147, ClinGen allele CA747087.

ClinVar aggregate classification (germline): Likely benign. Review status: criteria provided, single submitter (1 of 4 stars). 2 submissions from 2 submitters: Likely benign (1). 1 of the submissions does not count toward it. Last evaluated 2021-09-03.

Conditions:
AK2-related disorder. Also called: AK2-related condition.
Reticular dysgenesis. Also called: ALEUKOCYTOSIS; CONGENITAL ALEUKIA; HEMATOPOIETIC HYPOPLASIA, GENERALIZED; RETICULAR DYSGENESIA; SEVERE COMBINED IMMUNODEFICIENCY WITH LEUKOPENIA; DeVaal disease. Identifiers: Orphanet 33355, MedGen C0272167, MONDO:0009973, OMIM 267500.

Allele frequency attached by ClinVar (database versions not stated): gnomAD 0.00003; TOPMed 0.00005; ExAC 0.00019.
gnomAD v4.1: 142 of 1,603,278 alleles (0.0089%); highest among the groups gnomAD compares: Non-Finnish European, 0.011%; no homozygotes.

Submissions (2):

Labcorp Genetics (formerly Invitae), Labcorp
Classification: Likely benign for Reticular dysgenesis. Last evaluated: 2021-09-03. Review status: criteria provided, single submitter. Criteria: Invitae Variant Classification Sherloc (09022015). Collection method: clinical testing. Allele origin: germline.

PreventionGenetics, part of Exact Sciences
Classification: Likely benign for AK2-related condition. Last evaluated: 2024-03-31. Review status: no assertion criteria provided. Collection method: clinical testing. Allele origin: germline. Not counted in ClinVar's aggregate classification.
Comment: This variant is classified as likely benign based on ACMG/AMP sequence variant interpretation guidelines (Richards et al. 2015 PMID: 25741868, with internal and published modifications).